The following is an entry in ClinVar:

ClinVar aggregate classification (germline): Uncertain significance (1 of 4 stars; one submission).

Conditions:
Townes syndrome (TBS). Also called: Townes-Brocks syndrome. Identifiers: Orphanet 857, MedGen C0265246, MeSH C536974, MONDO:0007142.

Submission:

Labcorp Genetics (formerly Invitae), Labcorp
Classification: Uncertain significance for Townes syndrome. Last evaluated: 2024-11-18. Review status: criteria provided, single submitter. Criteria: Invitae Variant Classification Sherloc (09022015). Collection method: clinical testing. Allele origin: germline.
Comment: This sequence change replaces proline, which is neutral and non-polar, with leucine, which is neutral and non-polar, at codon 351 of the SALL1 protein (p.Pro351Leu). This variant is present in population databases (rs201220768, gnomAD 0.002%). This variant has not been reported in the literature in individuals affected with SALL1-related conditions. Invitae Evidence Modeling of protein sequence and biophysical properties (such as structural, functional, and spatial information, amino acid conservation, physicochemical variation, residue mobility, and thermodynamic stability) indicates that this missense variant is not expected to disrupt SALL1 protein function with a negative predictive value of 80%. In summary, the available evidence is currently insufficient to determine the role of this variant in disease. Therefore, it has been classified as a Variant of Uncertain Significance.

NM_002968.3(SALL1):c.1052C>T (p.Pro351Leu)

Gene: SALL1 (spalt like transcription factor 1; minus strand). Cytogenetic location: 16q12.1.
Variant type: single nucleotide variant.
Coding change: c.1052C>T on transcript NM_002968.3 (MANE Select); coding-DNA position 1052, C replaced by T.
Protein change: p.Pro351Leu; replaces proline 351 with leucine.
Molecular consequence: missense variant.
Genome position (GRCh38, 1-based): chr16:51,141,170, G>A on the plus strand (C>T on the coding strand, the complement: SALL1 is on the minus strand). VCF-style: chr16-51141170-G-A. GRCh37 (hg19) VCF-style: chr16-51175081-G-A.
Other names: c.761C>T, p.Pro254Leu (NM_001127892.2); short protein forms P254L, P351L.
Identifiers: ClinVar variation 3670695 (VCV003670695.2).